The following is an entry in ClinVar:

NM_001099403.2(PRDM8):c.710C>T (p.Pro237Leu)

Gene: PRDM8 (PR/SET domain 8; plus strand). Cytogenetic location: 4q21.21.
Variant type: single nucleotide variant.
Coding change: c.710C>T on transcript NM_001099403.2 (MANE Select); coding-DNA position 710, C replaced by T.
Protein change: p.Pro237Leu; replaces proline 237 with leucine.
Molecular consequence: missense variant.
Genome position (GRCh38, 1-based): chr4:80,202,172, C>T. VCF-style: chr4-80202172-C-T. GRCh37 (hg19) VCF-style: chr4-81123326-C-T.
Other names: c.710C>T, p.Pro237Leu (NM_020226.4); short protein forms P237L.
Identifiers: ClinVar variation 953940 (VCV000953940.9), dbSNP rs1738530929, ClinGen allele CA357394983.
Genomic context (GRCh38, chr4:80,202,172, plus strand): 5'-AGGAGGCACCTTTAGGCCCGGGTCCCAAGTTTTGCAAAGCCGGCCCCCTCCACCACTACC[C>T]ATCCCCCTCCCCGGAAAGCAGCAACCCATCCGCTGCCGCCGGCGGCAGCAGCGCGAAGCC-3'
Protein context (NP_001092873.1, residues 227-247): FCKAGPLHHY[Pro237Leu]SPSPESSNPS

ClinVar aggregate classification (germline): Uncertain significance (1 of 4 stars; one submission).

Conditions:
Early-onset Lafora body disease. Also called: Epilepsy, progressive myoclonic, 10. Identifiers: Orphanet 324290, MedGen C4225258, MONDO:0014717, OMIM 616640.

Allele frequency attached by ClinVar (database versions not stated): gnomAD exomes below 0.00001.
gnomAD v4.1: 1 of 1,611,324 alleles (0.000062%); highest among the groups gnomAD compares: Non-Finnish European, 0.000085%; no homozygotes.

Submission:

Labcorp Genetics (formerly Invitae), Labcorp
Classification: Uncertain significance for Early-onset Lafora body disease. Last evaluated: 2019-09-21. Review status: criteria provided, single submitter. Criteria: Invitae Variant Classification Sherloc (09022015). Collection method: clinical testing. Allele origin: germline.
Comment: This variant is not present in population databases (ExAC no frequency). In summary, the available evidence is currently insufficient to determine the role of this variant in disease. Therefore, it has been classified as a Variant of Uncertain Significance. Algorithms developed to predict the effect of missense changes on protein structure and function are either unavailable or do not agree on the potential impact of this missense change (SIFT: "Deleterious"; PolyPhen-2: "Benign"; Align-GVGD: "Class C0"). This variant has not been reported in the literature in individuals with PRDM8-related conditions. This sequence change replaces proline with leucine at codon 237 of the PRDM8 protein (p.Pro237Leu). The proline residue is moderately conserved and there is a moderate physicochemical difference between proline and leucine.